The following is an entry in ClinVar:

NM_001370259.2(MEN1):c.1602G>C (p.Thr534=)

Gene: MEN1 (menin 1; minus strand). Cytogenetic location: 11q13.1.
Variant type: single nucleotide variant.
Coding change: c.1602G>C on transcript NM_001370259.2 (MANE Select); coding-DNA position 1602, G replaced by C.
Protein change: p.Thr534=; no amino-acid change (threonine 534 retained).
Molecular consequence: synonymous variant.
Genome position (GRCh38, 1-based): chr11:64,804,565, C>G on the plus strand (G>C on the coding strand, the complement: MEN1 is on the minus strand). VCF-style: chr11-64804565-C-G. GRCh37 (hg19) VCF-style: chr11-64572037-C-G.
Other names: c.1617G>C, p.Thr539= (NM_000244.4, NM_130800.3, NM_130801.3 and 3 more transcripts); c.1728G>C, p.Thr576= (NM_001370251.2); c.1602G>C, p.Thr534= (NM_001370260.2, NM_001370261.2, NM_130799.3); c.1497G>C, p.Thr499= (NM_001370262.2, NM_001370263.2).
Identifiers: ClinVar variation 762693 (VCV000762693.11), dbSNP rs1592631034, ClinGen allele CA475163777.

ClinVar aggregate classification (germline): Benign/Likely benign. Review status: criteria provided, multiple submitters, no conflicts (2 of 4 stars). 3 submissions from 3 submitters: Benign (1); Likely benign (2). Last evaluated 2024-11-05.

Conditions:
Hereditary cancer-predisposing syndrome. Also called: Tumor predisposition; Hereditary Cancer Syndrome; Neoplastic Syndromes, Hereditary; Hereditary neoplastic syndrome. Identifiers: Orphanet 140162, MedGen C0027672, MeSH D009386, MONDO:0015356.
Multiple endocrine neoplasia, type 1 (MEN1). Also called: MEA I; WERMER SYNDROME; Endocrine adenomatosis multiple; MEN 1; MEN I. Identifiers: Orphanet 652, MedGen C0025267, MeSH D018761, MONDO:0007540, OMIM 131100.

Submissions (3):

Myriad Genetics, Inc.
Classification: Benign for Multiple endocrine neoplasia, type 1. Last evaluated: 2024-11-05. Review status: criteria provided, single submitter. Criteria: Myriad Autosomal Dominant, Autosomal Recessive and X-Linked Classification Criteria (2023). Collection method: clinical testing. Allele origin: unknown.
Comment: This variant is considered benign. This variant is a silent/synonymous amino acid change and it is not expected to impact splicing.

Ambry Genetics
Classification: Likely benign for Hereditary cancer-predisposing syndrome. Last evaluated: 2022-04-24. Review status: criteria provided, single submitter. Criteria: Ambry Variant Classification Scheme 2023. Collection method: clinical testing. Allele origin: germline.

Labcorp Genetics (formerly Invitae), Labcorp
Classification: Likely benign for Multiple endocrine neoplasia, type 1. Last evaluated: 2018-07-10. Review status: criteria provided, single submitter. Criteria: Invitae Variant Classification Sherloc (09022015). Collection method: clinical testing. Allele origin: germline.